The following is an entry in ClinVar:

NM_000046.5(ARSB):c.465C>A (p.Cys155Ter)

Gene: ARSB (arylsulfatase B; minus strand). Cytogenetic location: 5q14.1.
Variant type: single nucleotide variant.
Coding change: c.465C>A on transcript NM_000046.5 (MANE Select); coding-DNA position 465, C replaced by A.
Protein change: p.Cys155Ter; replaces cysteine 155 with a stop codon.
Molecular consequence: nonsense.
Genome position (GRCh38, 1-based): chr5:78,969,040, G>T on the plus strand (C>A on the coding strand, the complement: ARSB is on the minus strand). VCF-style: chr5-78969040-G-T. GRCh37 (hg19) VCF-style: chr5-78264863-G-T.
Other names: c.465C>A, p.Cys155Ter (NM_198709.3); short protein forms C155*.
Identifiers: ClinVar variation 4818200 (VCV004818200.1).

ClinVar aggregate classification (germline): Likely pathogenic (1 of 4 stars; one submission).

Conditions:
Mucopolysaccharidosis type 6 (MPS6). Also called: N-ACETYLGALACTOSAMINE-4-SULFATASE DEFICIENCY; MPS VI; ARSB DEFICIENCY; ARYLSULFATASE B DEFICIENCY; MPS 6; Maroteaux Lamy syndrome. Identifiers: Orphanet 583, MedGen C0026709, MONDO:0009661, OMIM 253200.

Submission:

Natera, Inc.
Classification: Likely pathogenic for Mucopolysaccharidosis type VI. Last evaluated: 2024-05-02. Review status: criteria provided, single submitter. Criteria: Natera Variant Classification Schema (03/2026). Collection method: clinical testing. Allele origin: germline.
Comment: The c.465C>A variant in ARSB is a nonsense variant predicted to introduce a stop codon at amino acid 155. This variant is expected to result in nonsense mediated decay, truncation, or a dysfunctional protein product. This variant is rare in the general population with a frequency below the threshold expected for the associated phenotype(s). Given the available evidence, this variant is classified as Likely Pathogenic.